The following is an entry in ClinVar:

NM_004360.5(CDH1):c.1230G>A (p.Glu410=)

Gene: CDH1 (cadherin 1; plus strand). Cytogenetic location: 16q22.1.
Variant type: single nucleotide variant.
Coding change: c.1230G>A on transcript NM_004360.5 (MANE Select); coding-DNA position 1230, G replaced by A.
Protein change: p.Glu410=; no amino-acid change (glutamic acid 410 retained).
Molecular consequence: synonymous variant. On other transcripts: 5 prime UTR variant (2), intron variant (1).
Genome position (GRCh38, 1-based): chr16:68,813,405, G>A. VCF-style: chr16-68813405-G-A. GRCh37 (hg19) VCF-style: chr16-68847308-G-A.
Other names: c.-386G>A (NM_001317185.2); c.-590G>A (NM_001317186.2); c.1137+1142G>A (NM_001317184.2); c.1230G>A (LRG_301t1).
Identifiers: ClinVar variation 232729 (VCV000232729.17), dbSNP rs876659952, ClinGen allele CA10580107.

ClinVar aggregate classification (germline): Benign/Likely benign. Review status: criteria provided, multiple submitters, no conflicts (2 of 4 stars). 4 submissions from 4 submitters: Benign (1); Likely benign (3). Last evaluated 2024-09-18.

Conditions:
Hereditary cancer-predisposing syndrome. Also called: Hereditary Cancer Syndrome; Neoplastic Syndromes, Hereditary; Tumor predisposition; Hereditary neoplastic syndrome. Identifiers: Orphanet 140162, MedGen C0027672, MeSH D009386, MONDO:0015356.
Hereditary diffuse gastric adenocarcinoma (HDGC). Also called: DIFFUSE GASTRIC AND LOBULAR BREAST CANCER SYNDROME. Identifiers: Orphanet 26106, MedGen C1708349, MONDO:0007648, OMIM 137215.

gnomAD v4.1: 1 of 1,614,150 alleles (0.000062%); highest among the groups gnomAD compares: Non-Finnish European, 0.000085%; no homozygotes.

Submissions (4):

Myriad Genetics, Inc.
Classification: Benign for Hereditary diffuse gastric adenocarcinoma. Last evaluated: 2024-09-18. Review status: criteria provided, single submitter. Criteria: Myriad Autosomal Dominant, Autosomal Recessive and X-Linked Classification Criteria (2023). Collection method: clinical testing. Allele origin: unknown.
Comment: This variant is considered benign. This variant is a silent/synonymous amino acid change and it is not expected to impact splicing.

Labcorp Genetics (formerly Invitae), Labcorp
Classification: Likely benign for Hereditary diffuse gastric adenocarcinoma. Last evaluated: 2024-04-24. Review status: criteria provided, single submitter. Criteria: Invitae Variant Classification Sherloc (09022015). Collection method: clinical testing. Allele origin: germline.

Quest Diagnostics Nichols Institute San Juan Capistrano
Classification: Likely benign. Last evaluated: 2017-01-03. Review status: criteria provided, single submitter. Criteria: Quest Diagnostics criteria. Collection method: clinical testing. Allele origin: germline.

Ambry Genetics
Classification: Likely benign for Hereditary cancer-predisposing syndrome. Last evaluated: 2015-07-02. Review status: criteria provided, single submitter. Criteria: Ambry Variant Classification Scheme 2023. Collection method: clinical testing. Allele origin: germline.